The following is an entry in ClinVar:

NM_017757.3(ZNF407):c.3430G>A (p.Ala1144Thr)

Genes: ZNF407 (zinc finger protein 407; plus strand), LOC126862798 (MED14-independent group 3 enhancer GRCh37_chr18:72345358-72346557; plus strand). Cytogenetic location: 18q22.3.
Variant type: single nucleotide variant.
Coding change: c.3430G>A on transcript NM_017757.3 (MANE Select); coding-DNA position 3430, G replaced by A.
Protein change: p.Ala1144Thr; replaces alanine 1144 with threonine.
Molecular consequence: missense variant.
Genome position (GRCh38, 1-based): chr18:74,634,449, G>A. VCF-style: chr18-74634449-G-A. GRCh37 (hg19) VCF-style: chr18-72346405-G-A.
Other names: c.3430G>A, p.Ala1144Thr (NM_001146189.1, NM_001146190.1, NM_001384475.1); short protein forms A1144T.
Identifiers: ClinVar variation 2662473 (VCV002662473.2), dbSNP rs200194849, ClinGen allele CA9000684.

ClinVar aggregate classification (germline): Uncertain significance. Review status: criteria provided, multiple submitters, no conflicts (2 of 4 stars). 2 submissions from 2 submitters: Uncertain significance (2). Last evaluated 2025-06-03.

Allele frequency attached by ClinVar (database versions not stated): gnomAD 0.00001; TOPMed 0.00002; ExAC 0.00004.
gnomAD v4.1: 32 of 1,613,516 alleles (0.002%); highest among the groups gnomAD compares: Middle Eastern, 0.016%; no homozygotes.

Submissions (2):

Ambry Genetics
Classification: Uncertain significance. Last evaluated: 2025-06-03. Review status: criteria provided, single submitter. Criteria: Ambry Variant Classification Scheme 2023. Collection method: clinical testing. Allele origin: germline.

GeneDx
Classification: Uncertain significance. Last evaluated: 2023-04-05. Review status: criteria provided, single submitter. Criteria: GeneDx Variant Classification Process June 2021. Collection method: clinical testing. Allele origin: germline. Affected: yes.
Comment: In silico analysis supports that this missense variant does not alter protein structure/function; Has not been previously published as pathogenic or benign to our knowledge